The following is an entry in ClinVar:

NM_001378454.1(ALMS1):c.12362+1G>A

Gene: ALMS1 (ALMS1 centrosome and basal body associated protein; plus strand). Cytogenetic location: 2p13.1.
Variant type: single nucleotide variant.
Coding change: c.12362+1G>A on transcript NM_001378454.1 (MANE Select); the canonical splice donor site of the intron after coding-DNA position 12362, G replaced by A.
Molecular consequence: splice donor variant.
Genome position (GRCh38, 1-based): chr2:73,603,305, G>A. VCF-style: chr2-73603305-G-A. GRCh37 (hg19) VCF-style: chr2-73830432-G-A.
Other names: c.12362+1G>A (NM_015120.4).
Identifiers: ClinVar variation 1518526 (VCV001518526.6), dbSNP rs2104203068, ClinGen allele CA347271756.
Genomic context (GRCh38, chr2:73,603,305, plus strand): 5'-CCTGGCTATCCAGAAGAACAAGCCTATCAGCAAGAAGGAAATGATTCAGAGGTCCAAACG[G>A]TAAGACCAAGAAAACAAGAGTACGTATACAAGTGTAAACCAGGCCACCAAGTGGTCGGGA-3'

ClinVar aggregate classification (germline): Likely pathogenic (1 of 4 stars; one submission).

Conditions:
Alstrom syndrome (ALMS). Identifiers: Orphanet 64, MedGen C0268425, MONDO:0008763, OMIM 203800.

Submission:

Labcorp Genetics (formerly Invitae), Labcorp
Classification: Likely pathogenic for Alstrom syndrome. Last evaluated: 2020-12-16. Review status: criteria provided, single submitter. Criteria: Invitae Variant Classification Sherloc (09022015). Collection method: clinical testing. Allele origin: germline.
Comment: In summary, the currently available evidence indicates that the variant is pathogenic, but additional data are needed to prove that conclusively. Therefore, this variant has been classified as Likely Pathogenic. Algorithms developed to predict the effect of sequence changes on RNA splicing suggest that this variant may disrupt the consensus splice site, but this prediction has not been confirmed by published transcriptional studies. This variant has not been reported in the literature in individuals with ALMS1-related conditions. This variant is not present in population databases (ExAC no frequency). This sequence change affects a donor splice site in intron 21 of the ALMS1 gene. It is expected to disrupt RNA splicing. Variants that disrupt the donor or acceptor splice site typically lead to a loss of protein function (PMID: 16199547), and loss-of-function variants in ALMS1 are known to be pathogenic (PMID: 17594715).

Literature cited by the submitters: PubMed 16199547; PubMed 17594715.